The following is an entry in ClinVar:

NM_170707.4(LMNA):c.1081G>A (p.Glu361Lys)

Gene: LMNA (lamin A/C; plus strand). Cytogenetic location: 1q22.
Variant type: single nucleotide variant.
Coding change: c.1081G>A on transcript NM_170707.4 (MANE Select); coding-DNA position 1081, G replaced by A.
Protein change: p.Glu361Lys; replaces glutamic acid 361 with lysine.
Molecular consequence: missense variant.
Genome position (GRCh38, 1-based): chr1:156,136,045, G>A. VCF-style: chr1-156136045-G-A. GRCh37 (hg19) VCF-style: chr1-156105836-G-A.
Other names: c.745G>A, p.Glu249Lys (NM_001257374.3); c.838G>A, p.Glu280Lys (NM_001282624.2); c.1081G>A, p.Glu361Lys (NM_001282625.2, NM_001282626.2, NM_005572.4 and 1 more transcripts); short protein forms E361K, E249K, E280K.
Identifiers: ClinVar variation 66772 (VCV000066772.15), dbSNP rs267607634, ClinGen allele CA016566.

ClinVar aggregate classification (germline): Pathogenic. Review status: criteria provided, multiple submitters, no conflicts (2 of 4 stars). 3 submissions from 3 submitters: Pathogenic (2). 1 of the submissions does not count toward it. Last evaluated 2026-01-09.

Conditions:
Muscular dystrophy. Identifiers: Orphanet 98473, MedGen C0026850, MeSH D009136, MONDO:0020121, HP:0003560.
Charcot-Marie-Tooth disease type 2. Also called: Charcot-Marie-Tooth type 2. Identifiers: Orphanet 64746, MedGen C0270914, MONDO:0018993.

Allele frequency attached by ClinVar (database versions not stated): gnomAD exomes below 0.00001.
gnomAD v4.1: 1 of 1,614,172 alleles (0.000062%); no homozygotes.

Submissions (3):

Labcorp Genetics (formerly Invitae), Labcorp
Classification: Pathogenic for Charcot-Marie-Tooth disease type 2. Last evaluated: 2026-01-09. Review status: criteria provided, single submitter. Criteria: Invitae Variant Classification Sherloc (09022015). Collection method: clinical testing. Allele origin: germline.
Comment: This sequence change replaces glutamic acid, which is acidic and polar, with lysine, which is basic and polar, at codon 361 of the LMNA protein (p.Glu361Lys). This variant is not present in population databases (gnomAD no frequency). This missense change has been observed in individual(s) with clinical features of autosomal dominant Emery-Dreifuss muscular dystrophy (PMID: 20848652; internal data). In at least one individual the variant was observed to be de novo. ClinVar contains an entry for this variant (Variation ID: 66772). Invitae Evidence Modeling of protein sequence and biophysical properties (such as structural, functional, and spatial information, amino acid conservation, physicochemical variation, residue mobility, and thermodynamic stability) indicates that this missense variant is expected to disrupt LMNA protein function with a positive predictive value of 95%. Experimental studies have shown that this missense change affects LMNA function (PMID: 16218190). For these reasons, this variant has been classified as Pathogenic.

Genetic Services Laboratory, University of Chicago
Classification: Pathogenic for Muscular dystrophy. Last evaluated: 2013-02-08. Review status: criteria provided, single submitter. Criteria: ACMG Guidelines, 2007. Collection method: clinical testing. Allele origin: germline. Affected: yes.

Epithelial Biology;  Institute of Medical Biology, Singapore
No classification provided. Review status: no classification provided. Collection method: not provided. Allele origin: not provided. Not counted in ClinVar's aggregate classification.

Literature cited by the submitters: PubMed 20848652 (cited by Labcorp Genetics (formerly Invitae), Labcorp); PubMed 16218190 (cited by Labcorp Genetics (formerly Invitae), Labcorp).